The following is an entry in ClinVar:

NM_024675.4(PALB2):c.1749G>A (p.Leu583=)

Gene: PALB2 (partner and localizer of BRCA2; minus strand). Cytogenetic location: 16p12.2.
Variant type: single nucleotide variant.
Coding change: c.1749G>A on transcript NM_024675.4 (MANE Select); coding-DNA position 1749, G replaced by A.
Protein change: p.Leu583=; no amino-acid change (leucine 583 retained).
Molecular consequence: synonymous variant. On other transcripts: 5 prime UTR variant (2), intron variant (1).
Genome position (GRCh38, 1-based): chr16:23,630,405, C>T on the plus strand (G>A on the coding strand, the complement: PALB2 is on the minus strand). VCF-style: chr16-23630405-C-T. GRCh37 (hg19) VCF-style: chr16-23641726-C-T.
Other names: c.1689G>A, p.Leu563= (NM_001407296.1); c.1749G>A, p.Leu583= (NM_001407297.1, NM_001407298.1, NM_001407299.1 and 3 more transcripts); c.864G>A, p.Leu288= (NM_001407304.1, NM_001407305.1, NM_001407306.1 and 5 more transcripts); c.-40G>A (NM_001407312.1, NM_001407313.1); c.49-1130G>A (NM_001407314.1).
Identifiers: ClinVar variation 3904504 (VCV003904504.1).

ClinVar aggregate classification (germline): Benign (1 of 4 stars; one submission).

Conditions:
Familial cancer of breast. Also called: Hereditary breast cancer; hereditary breast carcinoma; BREAST CANCER, FAMILIAL. Identifiers: Orphanet 227535, MedGen C0346153, MONDO:0016419, OMIM 114480. Disease mechanism: loss of function.

Submission:

Myriad Genetics, Inc.
Classification: Benign for Familial cancer of breast. Last evaluated: 2025-01-14. Review status: criteria provided, single submitter. Criteria: Myriad Autosomal Dominant, Autosomal Recessive and X-Linked Classification Criteria (2023). Collection method: clinical testing. Allele origin: unknown.
Comment: This variant is considered benign. This variant is a silent/synonymous amino acid change and it is not expected to impact splicing.